The following is an entry in ClinVar:

NM_000051.4(ATM):c.6097C>T (p.Leu2033=)

Genes: ATM (ATM serine/threonine kinase; plus strand), C11orf65 (chromosome 11 open reading frame 65; minus strand). Cytogenetic location: 11q22.3.
Variant type: single nucleotide variant.
Coding change: c.6097C>T on transcript NM_000051.4 (MANE Select); coding-DNA position 6097, C replaced by T.
Protein change: p.Leu2033=; no amino-acid change (leucine 2033 retained).
Molecular consequence: synonymous variant. On other transcripts: intron variant (2).
Genome position (GRCh38, 1-based): chr11:108,316,012, C>T. VCF-style: chr11-108316012-C-T. GRCh37 (hg19) VCF-style: chr11-108186739-C-T.
Other names: c.6097C>T, p.Leu2033= (NM_001351834.2); c.641-6941G>A (NM_001330368.2); c.*39-6941G>A (NM_001351110.2).
Identifiers: ClinVar variation 187704 (VCV000187704.21), dbSNP rs769813736, ClinGen allele CA198356.

ClinVar aggregate classification (germline): Benign/Likely benign. Review status: criteria provided, multiple submitters, no conflicts (2 of 4 stars). 7 submissions from 7 submitters: Benign (1); Likely benign (6). Last evaluated 2025-09-04.

Conditions:
Hereditary cancer-predisposing syndrome. Also called: Hereditary Cancer Syndrome; Tumor predisposition; Neoplastic Syndromes, Hereditary; Hereditary neoplastic syndrome. Identifiers: Orphanet 140162, MedGen C0027672, MeSH D009386, MONDO:0015356.
Familial cancer of breast. Also called: hereditary breast carcinoma; BREAST CANCER, FAMILIAL; Hereditary breast cancer. Identifiers: Orphanet 227535, MedGen C0346153, MONDO:0016419, OMIM 114480. Disease mechanism: loss of function.
Ataxia-telangiectasia syndrome (AT). Also called: ATAXIA-TELANGIECTASIA, COMPLEMENTATION GROUP A; ATAXIA-TELANGIECTASIA, FRESNO VARIANT; Ataxia-telangiectasia; Ataxia-telangiectasia, complementation group E; Cerebello-oculocutaneous telangiectasia; Immunodeficiency with ataxia telangiectasia. Identifiers: Orphanet 100, MedGen C0004135, MONDO:0008840, OMIM 208900.

Allele frequency attached by ClinVar (database versions not stated): TOPMed 0.00001; ExAC 0.00001; gnomAD 0.00001; gnomAD exomes 0.00001.
gnomAD v4.1: 10 of 1,613,874 alleles (0.00062%); highest among the groups gnomAD compares: African/African-American, 0.0013%; no homozygotes.

Submissions (7):

Women's Health and Genetics/Laboratory Corporation of America, LabCorp
Classification: Likely benign. Last evaluated: 2025-09-04. Review status: criteria provided, single submitter. Criteria: LabCorp Variant Classification Summary - May 2015. Collection method: clinical testing. Allele origin: germline.
Comment: Variant summary: ATM c.6097C>T (p.Leu2033Leu) alters a conserved nucleotide located close to a canonical splice site and therefore could affect mRNA splicing, leading to a significantly altered protein sequence. Consensus agreement among computation tools predict no significant impact on normal splicing. However, these predictions have yet to be confirmed by functional studies. The variant allele was found at a frequency of 8e-06 in 251344 control chromosomes. The available data on variant occurrences in the general population are insufficient to allow any conclusion about variant significance. To our knowledge, no occurrence of c.6097C>T in individuals affected with ATM-related conditions and no experimental evidence demonstrating its impact on protein function have been reported. ClinVar contains an entry for this variant (Variation ID: 187704). Based on the evidence outlined above, the variant was classified as likely benign.

Labcorp Genetics (formerly Invitae), Labcorp
Classification: Likely benign for Ataxia-telangiectasia syndrome. Last evaluated: 2025-08-17. Review status: criteria provided, single submitter. Criteria: Invitae Variant Classification Sherloc (09022015). Collection method: clinical testing. Allele origin: germline.

Myriad Genetics, Inc.
Classification: Benign for Familial cancer of breast. Last evaluated: 2024-06-03. Review status: criteria provided, single submitter. Criteria: Myriad Autosomal Dominant, Autosomal Recessive and X-Linked Classification Criteria (2023). Collection method: clinical testing. Allele origin: unknown.
Comment: This variant is considered benign. This variant is a silent/synonymous amino acid change and it is not expected to impact splicing.

Blueprint Genetics
Classification: Likely benign. Last evaluated: 2022-11-28. Review status: criteria provided, single submitter. Criteria: ACMG Guidelines, 2015. Collection method: clinical testing. Allele origin: germline.

GeneDx
Classification: Likely benign. Last evaluated: 2018-01-30. Review status: criteria provided, single submitter. Criteria: GeneDx Variant Classification (06012015). Collection method: clinical testing. Allele origin: germline. Affected: yes.
Comment: This variant is considered likely benign or benign based on one or more of the following criteria: it is a conservative change, it occurs at a poorly conserved position in the protein, it is predicted to be benign by multiple in silico algorithms, and/or has population frequency not consistent with disease.

Color Diagnostics, LLC DBA Color Health
Classification: Likely benign for Hereditary cancer-predisposing syndrome. Last evaluated: 2016-07-25. Review status: criteria provided, single submitter. Criteria: ACMG Guidelines, 2015. Collection method: clinical testing. Allele origin: germline.

Ambry Genetics
Classification: Likely benign for Hereditary cancer-predisposing syndrome. Last evaluated: 2014-12-19. Review status: criteria provided, single submitter. Criteria: Ambry Variant Classification Scheme 2023. Collection method: clinical testing. Allele origin: germline.